The following is an entry in ClinVar:

ClinVar aggregate classification (germline): Conflicting classifications of pathogenicity. Review status: criteria provided, conflicting classifications (1 of 4 stars). 8 submissions from 8 submitters: Uncertain significance (5); Benign (1). 2 of the submissions do not count toward it. Last evaluated 2025-10-27.

Conditions:
Cardiovascular phenotype. Identifiers: MedGen CN230736.
Arrhythmogenic cardiomyopathy with wooly hair and keratoderma. Also called: Dilated cardiomyopathy with woolly hair and keratoderma; PALMOPLANTAR KERATODERMA WITH LEFT VENTRICULAR CARDIOMYOPATHY AND WOOLLY HAIR; Carvajal syndrome; Arrhythmogenic cardiomyopathy with woolly hair and keratoderma. Identifiers: Orphanet 65282, MedGen C1854063, MONDO:0011581, OMIM 605676.
Arrhythmogenic right ventricular dysplasia 8 (ARVD8). Also called: Arrhythmogenic Right Ventricular Dysplasia/Cardiomyopathy 8; ARRHYTHMOGENIC RIGHT VENTRICULAR DYSPLASIA, FAMILIAL, 8; ARRHYTHMOGENIC RIGHT VENTRICULAR CARDIOMYOPATHY 8. Identifiers: MedGen C1843896, MONDO:0011831, OMIM 607450.
Cardiomyopathy (CMYO). Also called: Cardiomyopathies. Identifiers: Orphanet 167848, MedGen C0878544, MONDO:0004994, HP:0001638. Inheritance: Various modes of inheritance.

Allele frequency attached by ClinVar (database versions not stated): ExAC 0.00001; gnomAD exomes 0.00001 and 0.00002; gnomAD 0.00005; TOPMed 0.00010.
gnomAD v4.1: 20 of 1,614,046 alleles (0.0012%); highest among the groups gnomAD compares: African/African-American, 0.016%; no homozygotes.

Submissions (8):

Labcorp Genetics (formerly Invitae), Labcorp
Classification: Benign for Arrhythmogenic cardiomyopathy with wooly hair and keratoderma; Arrhythmogenic right ventricular dysplasia 8. Last evaluated: 2025-10-27. Review status: criteria provided, single submitter. Criteria: Invitae Variant Classification Sherloc (09022015). Collection method: clinical testing. Allele origin: germline.

Ambry Genetics
Classification: Uncertain significance for Cardiovascular phenotype. Last evaluated: 2024-11-21. Review status: criteria provided, single submitter. Criteria: Ambry Variant Classification Scheme 2023. Collection method: clinical testing. Allele origin: germline.
Comment: The p.R2752Q variant (also known as c.8255G>A), located in coding exon 24 of the DSP gene, results from a G to A substitution at nucleotide position 8255. The arginine at codon 2752 is replaced by glutamine, an amino acid with highly similar properties. This variant was detected in a cardiomyopathy/arrhythmia genetic testing cohort; however, clinical details were limited, and additional cardiac variants were detected in some cases (van Lint FHM et al. Neth Heart J, 2019 Jun;27:304-309). This amino acid position is highly conserved in available vertebrate species. In addition, the in silico prediction for this alteration is inconclusive. Based on the available evidence, the clinical significance of this variant remains unclear.

All of Us Research Program, National Institutes of Health
Classification: Uncertain significance for Arrhythmogenic cardiomyopathy with wooly hair and keratoderma. Last evaluated: 2024-07-20. Review status: criteria provided, single submitter. Criteria: ACMG Guidelines, 2015. Collection method: clinical testing. Allele origin: germline. Inheritance: Autosomal dominant inheritance. Observed: 4 variant alleles, 4 heterozygotes.
Comment: This missense variant replaces arginine with glutamine at codon 2752 of the DSP protein. Computational prediction suggests that this variant may not impact protein structure and function (internally defined REVEL score threshold <= 0.5, PMID: 27666373). To our knowledge, functional studies have not been reported for this variant. This variant has been reported in an individual suspected of having hypertrophic cardiomyopathy (PMID: 30847666). This variant has been identified in 8/282722 chromosomes in the general population by the Genome Aggregation Database (gnomAD). The available evidence is insufficient to determine the role of this variant in disease conclusively. Therefore, this variant is classified as a Variant of Uncertain Significance.

This study involves interpretation of variants in research participants for the purpose of population health screening. Participant phenotype was not available at the time of variant classification. Additional details can be found in publication PMID: 35346344, PMCID: PMC8962531

Color Diagnostics, LLC DBA Color Health
Classification: Uncertain significance for Cardiomyopathy. Last evaluated: 2024-07-10. Review status: criteria provided, single submitter. Criteria: ACMG Guidelines, 2015. Collection method: clinical testing. Allele origin: germline.
Comment: This missense variant replaces arginine with glutamine at codon 2752 of the DSP protein. Computational prediction suggests that this variant may not impact protein structure and function (internally defined REVEL score threshold <= 0.5, PMID: 27666373). To our knowledge, functional studies have not been reported for this variant. This variant has been reported in an individual suspected of having hypertrophic cardiomyopathy (PMID: 30847666). This variant has been identified in 8/282722 chromosomes in the general population by the Genome Aggregation Database (gnomAD). The available evidence is insufficient to determine the role of this variant in disease conclusively. Therefore, this variant is classified as a Variant of Uncertain Significance.

GeneDx
Classification: Uncertain significance. Last evaluated: 2017-01-24. Review status: criteria provided, single submitter. Criteria: GeneDx Variant Classification (06012015). Collection method: clinical testing. Allele origin: germline. Affected: yes.
Comment: The R2752Q variant of uncertain significance in the DSP gene has not been published as pathogenic or been reported as benign to our knowledge. R2752Q is not observed at a significant frequency in large population cohorts (Lek et al., 2016; 1000 Genomes Consortium et al., 2015; Exome Variant Server). The R2752Q variant is a semi-conservative amino acid substitution, which may impact secondary protein structure as these residues differ in some properties. Moreover, this substitution occurs at a position that is conserved across species, and in silico analysis predicts this variant is probably damaging to the protein structure/function.

Eurofins Ntd Llc (ga)
Classification: Uncertain significance. Last evaluated: 2015-07-14. Review status: criteria provided, single submitter. Criteria: EGL Classification Definitions 2015. Collection method: clinical testing. Allele origin: germline. Observed: 1 variant allele, 1 heterozygote.

Clinical Genetics DNA and cytogenetics Diagnostics Lab, Erasmus MC, Erasmus Medical Center
Classification: Uncertain significance. Review status: no assertion criteria provided. Collection method: clinical testing. Allele origin: germline. Affected: yes. Study: VKGL Data-share Consensus. Not counted in ClinVar's aggregate classification.

Clinical Genetics, Academic Medical Center
Classification: Uncertain significance. Review status: no assertion criteria provided. Collection method: clinical testing. Allele origin: germline. Affected: yes. Study: VKGL Data-share Consensus. Not counted in ClinVar's aggregate classification.

Literature cited by the submitters: PubMed 30847666 (cited by 3 submitters).

NM_004415.4(DSP):c.8255G>A (p.Arg2752Gln)

Gene: DSP (desmoplakin; plus strand). Cytogenetic location: 6p24.3.
Variant type: single nucleotide variant.
Coding change: c.8255G>A on transcript NM_004415.4 (MANE Select); coding-DNA position 8255, G replaced by A.
Protein change: p.Arg2752Gln; replaces arginine 2752 with glutamine.
Molecular consequence: missense variant.
Genome position (GRCh38, 1-based): chr6:7,585,517, G>A. VCF-style: chr6-7585517-G-A. GRCh37 (hg19) VCF-style: chr6-7585750-G-A.
Other names: c.8255G>A (LRG_423t1); c.6458G>A, p.Arg2153Gln (NM_001008844.3); c.6926G>A, p.Arg2309Gln (NM_001319034.2); short protein forms R2752Q, R2153Q, R2309Q.
Identifiers: ClinVar variation 281973 (VCV000281973.26), dbSNP rs769706539, ClinGen allele CA051930.